The following is an entry in ClinVar:

ClinVar aggregate classification (germline): Pathogenic/Likely pathogenic. Review status: criteria provided, multiple submitters, no conflicts (2 of 4 stars). 2 submissions from 2 submitters: Pathogenic (1); Likely pathogenic (1). Last evaluated 2024-04-04.

Conditions:
Alstrom syndrome (ALMS). Identifiers: Orphanet 64, MedGen C0268425, MONDO:0008763, OMIM 203800.

Submissions (2):

Genomic Medicine Center of Excellence, King Faisal Specialist Hospital and Research Centre
Classification: Likely pathogenic for Alstrom syndrome. Last evaluated: 2024-04-04. Review status: criteria provided, single submitter. Criteria: ACMG Guidelines, 2015. Collection method: clinical testing. Allele origin: germline.

GeneDx
Classification: Pathogenic. Last evaluated: 2022-07-11. Review status: criteria provided, single submitter. Criteria: GeneDx Variant Classification Process June 2021. Collection method: clinical testing. Allele origin: germline. Affected: yes.
Comment: Frameshift variant predicted to result in protein truncation or nonsense mediated decay in a gene for which loss-of-function is a known mechanism of disease; Not observed at significant frequency in large population cohorts (gnomAD); This variant is associated with the following publications: (PMID: 30488743, 33981653, 28272210, 32870709)

NM_001378454.1(ALMS1):c.12151_12163del (p.Arg4051fs)

Genes: ALMS1 (ALMS1 centrosome and basal body associated protein; plus strand), LOC126806252 (BRD4-independent group 4 enhancer GRCh37_chr2:73828496-73829695; plus strand). Cytogenetic location: 2p13.1.
Variant type: Deletion.
Coding change: c.12151_12163del on transcript NM_001378454.1 (MANE Select); coding-DNA positions 12151 to 12163, 13 bases deleted (CGCTCTGGGGAGC).
Protein change: p.Arg4051fs; shifts the reading frame from arginine 4051.
Molecular consequence: frameshift variant.
Genome position (GRCh38, 1-based): chr2:73,602,221-73,602,233, CGCTCTGGGGAGC deleted; deleting any 13 consecutive bases within chr2:73,602,220-73,602,233 gives the same sequence; the c. name uses the placement nearest the transcript's 3' end. VCF-style (leftmost placement, unchanged base first): chr2-73602219-CCCGCTCTGGGGAG-C. GRCh37 (hg19) VCF-style: chr2-73829346-CCCGCTCTGGGGAG-C.
Other names: c.12148_12160del (NM_015120.2); c.12154_12166del, p.Arg4052fs (NM_015120.4); short protein forms R4051fs, R4052fs.
Identifiers: ClinVar variation 1696952 (VCV001696952.3), dbSNP rs1675709881, ClinGen allele CA1261034990.